The following is an entry in ClinVar:

ClinVar aggregate classification (germline): Uncertain significance (1 of 4 stars; one submission).

Submission:

Labcorp Genetics (formerly Invitae), Labcorp
Classification: Uncertain significance. Last evaluated: 2025-03-23. Review status: criteria provided, single submitter. Criteria: Invitae Variant Classification Sherloc (09022015). Collection method: clinical testing. Allele origin: germline.
Comment: This sequence change replaces arginine, which is basic and polar, with leucine, which is neutral and non-polar, at codon 2002 of the SRCAP protein (p.Arg2002Leu). This variant is not present in population databases (gnomAD no frequency). This variant has not been reported in the literature in individuals affected with SRCAP-related conditions. Invitae Evidence Modeling of protein sequence and biophysical properties (such as structural, functional, and spatial information, amino acid conservation, physicochemical variation, residue mobility, and thermodynamic stability) indicates that this missense variant is not expected to disrupt SRCAP protein function with a negative predictive value of 80%. In summary, the available evidence is currently insufficient to determine the role of this variant in disease. Therefore, it has been classified as a Variant of Uncertain Significance.

NM_006662.3(SRCAP):c.6005G>T (p.Arg2002Leu)

Gene: SRCAP (Snf2 related CREBBP activator protein; plus strand). Cytogenetic location: 16p11.2.
Variant type: single nucleotide variant.
Coding change: c.6005G>T on transcript NM_006662.3 (MANE Select); coding-DNA position 6005, G replaced by T.
Protein change: p.Arg2002Leu; replaces arginine 2002 with leucine.
Molecular consequence: missense variant.
Genome position (GRCh38, 1-based): chr16:30,729,450, G>T. VCF-style: chr16-30729450-G-T. GRCh37 (hg19) VCF-style: chr16-30740771-G-T.
Other names: short protein forms R2002L.
Identifiers: ClinVar variation 4692005 (VCV004692005.1).